The following is an entry in ClinVar:

ClinVar aggregate classification (germline): Uncertain significance (1 of 4 stars; one submission).

gnomAD v4.1: 1 of 1,591,778 alleles (0.000063%); highest among the groups gnomAD compares: Admixed American, 0.0018%; no homozygotes.

Submission:

GeneDx
Classification: Uncertain significance. Last evaluated: 2022-03-29. Review status: criteria provided, single submitter. Criteria: GeneDx Variant Classification Process June 2021. Collection method: clinical testing. Allele origin: germline. Affected: yes.
Comment: Not observed at significant frequency in large population cohorts (gnomAD); In silico analysis supports that this missense variant does not alter protein structure/function; Has not been previously published as pathogenic or benign to our knowledge

NM_017654.4(SAMD9):c.34G>C (p.Asp12His)

Gene: SAMD9 (sterile alpha motif domain containing 9; minus strand). Cytogenetic location: 7q21.2.
Variant type: single nucleotide variant.
Coding change: c.34G>C on transcript NM_017654.4 (MANE Select); coding-DNA position 34, G replaced by C.
Protein change: p.Asp12His; replaces aspartic acid 12 with histidine.
Molecular consequence: missense variant.
Genome position (GRCh38, 1-based): chr7:93,106,064, C>G on the plus strand (G>C on the coding strand, the complement: SAMD9 is on the minus strand). VCF-style: chr7-93106064-C-G. GRCh37 (hg19) VCF-style: chr7-92735377-C-G.
Other names: c.34G>C, p.Asp12His (NM_001193307.2); short protein forms D12H.
Identifiers: ClinVar variation 1707778 (VCV001707778.2), dbSNP rs1334987881, ClinGen allele CA368206537.